The following is an entry in ClinVar:

ClinVar aggregate classification (germline): Uncertain significance. Review status: criteria provided, multiple submitters, no conflicts (2 of 4 stars). 2 submissions from 2 submitters: Uncertain significance (2). Last evaluated 2025-11-01.

Conditions:
Inborn genetic diseases. Identifiers: MedGen C0950123, MeSH D030342.

Allele frequency attached by ClinVar (database versions not stated): gnomAD 0.00002; ExAC 0.00007; 1000 Genomes Project 0.00020.

Submissions (2):

CeGaT Center for Human Genetics Tuebingen
Classification: Uncertain significance. Last evaluated: 2025-11-01. Review status: criteria provided, single submitter. Criteria: CeGaT Center For Human Genetics Tuebingen Variant Classification Criteria Version 2. Collection method: clinical testing. Allele origin: germline. Affected: yes. Observed: 1 variant allele.
Comment: FLG: PM2, BP4

Ambry Genetics
Classification: Uncertain significance for Inborn genetic diseases. Last evaluated: 2025-07-31. Review status: criteria provided, single submitter. Criteria: Ambry Variant Classification Scheme 2023. Collection method: clinical testing. Allele origin: germline.

NM_002016.2(FLG):c.7981T>A (p.Ser2661Thr)

Genes: CCDST (cervical cancer associated DHX9 suppressive transcript; plus strand), FLG (filaggrin; minus strand). Cytogenetic location: 1q21.3.
Variant type: single nucleotide variant.
Coding change: c.7981T>A on transcript NM_002016.2 (MANE Select); coding-DNA position 7981, T replaced by A.
Protein change: p.Ser2661Thr; replaces serine 2661 with threonine.
Molecular consequence: missense variant.
Genome position (GRCh38, 1-based): chr1:152,306,905, A>T on the plus strand (T>A on the coding strand, the complement: FLG is on the minus strand). VCF-style: chr1-152306905-A-T. GRCh37 (hg19) VCF-style: chr1-152279381-A-T.
Other names: short protein forms S2661T.
Identifiers: ClinVar variation 2376821 (VCV002376821.9), dbSNP rs561422571, ClinGen allele CA1104455.